The following is an entry in ClinVar:

NM_052867.4(NALCN):c.4387A>T (p.Ser1463Cys)

Gene: NALCN (sodium leak channel, non-selective; minus strand). Cytogenetic location: 13q32.3.
Variant type: single nucleotide variant.
Coding change: c.4387A>T on transcript NM_052867.4 (MANE Select); coding-DNA position 4387, A replaced by T.
Protein change: p.Ser1463Cys; replaces serine 1463 with cysteine.
Molecular consequence: missense variant.
Genome position (GRCh38, 1-based): chr13:101,067,977, T>A on the plus strand (A>T on the coding strand, the complement: NALCN is on the minus strand). VCF-style: chr13-101067977-T-A. GRCh37 (hg19) VCF-style: chr13-101720329-T-A.
Other names: c.4474A>T, p.Ser1492Cys (NM_001350748.2); c.4387A>T, p.Ser1463Cys (NM_001350749.2); c.4300A>T, p.Ser1434Cys (NM_001350750.2, NM_001350751.2); short protein forms S1434C, S1463C, S1492C.
Identifiers: ClinVar variation 5041608 (VCV005041608.1).
Genomic context (GRCh38, chr13:101,067,977, plus strand): 5'-CCTCTCTTTTATCATCCACCATGTTCCATATTATTTGAAAGTGGCGAAGATCATTGTAAC[T>A]TAAAAGCTGGTCCTCCTCAGTGGAATAAAACAAGGAGAAATTCTCCACAATTATGGCTTT-3'
Protein context (NP_443099.1, residues 1453-1473): FYSTEEDQLL[Ser1463Cys]YNDLRHFQII

ClinVar aggregate classification (germline): Uncertain significance (1 of 4 stars; one submission).

Submission:

CeGaT Center for Human Genetics Tuebingen
Classification: Uncertain significance. Last evaluated: 2026-09-01. Review status: criteria provided, single submitter. Criteria: CeGaT Center For Human Genetics Tuebingen Variant Classification Criteria Version 2. Collection method: clinical testing. Allele origin: germline. Affected: yes. Observed: 1 variant allele.
Comment: NALCN: PM2, PP2, PP3